The following is an entry in ClinVar:

NM_000899.5(KITLG):c.797_798del (p.Lys266fs)

Gene: KITLG (KIT ligand; minus strand). Cytogenetic location: 12q21.32.
Variant type: Deletion.
Coding change: c.797_798del on transcript NM_000899.5 (MANE Select); coding-DNA positions 797 to 798, 2 bases deleted (AA; older notation c.797_798delAA).
Protein change: p.Lys266fs; shifts the reading frame from lysine 266.
Molecular consequence: frameshift variant.
Genome position (GRCh38, 1-based): chr12:88,505,220-88,505,221, TT deleted on the plus strand (AA on the coding strand, the reverse complement: KITLG is on the minus strand); deleting any 2 consecutive bases within chr12:88,505,220-88,505,222 gives the same sequence; the c. name uses the placement nearest the transcript's 3' end. VCF-style (leftmost placement, unchanged base first): chr12-88505219-CTT-C. GRCh37 (hg19) VCF-style: chr12-88898996-CTT-C.
Other names: c.713_714del, p.Lys238fs (NM_003994.6); short protein forms K238fs, K266fs.
Identifiers: ClinVar variation 2762455 (VCV002762455.3), dbSNP rs2499132398, ClinGen allele CA2697551506.

ClinVar aggregate classification (germline): Uncertain significance (1 of 4 stars; one submission).

Submission:

Labcorp Genetics (formerly Invitae), Labcorp
Classification: Uncertain significance. Last evaluated: 2023-09-21. Review status: criteria provided, single submitter. Criteria: Invitae Variant Classification Sherloc (09022015). Collection method: clinical testing. Allele origin: germline.
Comment: This sequence change results in a frameshift in the KITLG gene (p.Lys266Argfs*44). While this is not anticipated to result in nonsense mediated decay, it is expected to disrupt the last 8 amino acid(s) of the KITLG protein and extend the protein by 35 additional amino acid residues. In summary, the available evidence is currently insufficient to determine the role of this variant in disease. Therefore, it has been classified as a Variant of Uncertain Significance. This variant has not been reported in the literature in individuals affected with KITLG-related conditions. This variant is not present in population databases (gnomAD no frequency).